The following is an entry in ClinVar:

ClinVar aggregate classification (germline): Likely pathogenic (1 of 4 stars; one submission).

Conditions:
Deficiency of adenosine deaminase 2. Also called: Polyarteritis nodosa, childhoood-onset; Adenosine Deaminase 2 Deficiency; VASCULITIS, AUTOINFLAMMATION, IMMUNODEFICIENCY, AND HEMATOLOGIC DEFECTS SYNDROME. Identifiers: Orphanet 404553, MedGen C3887654, MONDO:0014306, OMIM 615688, MONDO:0100317.

Submission:

Labcorp Genetics (formerly Invitae), Labcorp
Classification: Likely pathogenic for Deficiency of adenosine deaminase 2. Last evaluated: 2025-01-13. Review status: criteria provided, single submitter. Criteria: Invitae Variant Classification Sherloc (09022015). Collection method: clinical testing. Allele origin: germline.
Comment: This sequence change replaces tyrosine, which is neutral and polar, with cysteine, which is neutral and slightly polar, at codon 453 of the ADA2 protein (p.Tyr453Cys). Information on the frequency of this variant in the gnomAD database is not available, as this variant may be reported differently in the database. A different variant (c.1358A>G) giving rise to the same protein effect has been determined to be pathogenic (PMID: 24552284, 27252897). This suggests that this variant is also likely to be causative of disease. An algorithm developed to predict the effect of missense changes on protein structure and function (PolyPhen-2) suggests that this variant is likely to be disruptive. In summary, the currently available evidence indicates that the variant is pathogenic, but additional data are needed to prove that conclusively. Therefore, this variant has been classified as Likely Pathogenic.

Literature cited by the submitters: PubMed 24552284; PubMed 27252897.

NM_001282225.2(ADA2):c.1358_1359delinsGC (p.Tyr453Cys)

Gene: ADA2 (adenosine deaminase 2; minus strand). Cytogenetic location: 22q11.1.
Variant type: Indel.
Coding change: c.1358_1359delinsGC on transcript NM_001282225.2 (MANE Select); coding-DNA positions 1358 to 1359, AT replaced by GC.
Protein change: p.Tyr453Cys; replaces tyrosine 453 with cysteine.
Molecular consequence: missense variant.
Genome position (GRCh38, 1-based): chr22:17,181,903-17,181,904, AT replaced by GC on the plus strand (AT replaced by GC on the coding strand, the reverse complement: ADA2 is on the minus strand). VCF-style: chr22-17181903-AT-GC. GRCh37 (hg19) VCF-style: chr22-17662793-AT-GC.
Other names: c.1358_1359delinsGC, p.Tyr453Cys (NM_001282226.2); c.1232_1233delinsGC, p.Tyr411Cys (NM_001282227.2, NM_001282228.2); c.998_999delinsGC, p.Tyr333Cys (NM_001282229.2); c.635_636delinsGC, p.Tyr212Cys (NM_177405.3); short protein forms Y212C, Y333C, Y411C, Y453C.
Identifiers: ClinVar variation 3603868 (VCV003603868.2).